The following is an entry in ClinVar:

NM_012452.3(TNFRSF13B):c.350A>G (p.Glu117Gly)

Gene: TNFRSF13B (TNF receptor superfamily member 13B; minus strand). Cytogenetic location: 17p11.2.
Variant type: single nucleotide variant.
Coding change: c.350A>G on transcript NM_012452.3 (MANE Select); coding-DNA position 350, A replaced by G.
Protein change: p.Glu117Gly; replaces glutamic acid 117 with glycine.
Molecular consequence: missense variant.
Genome position (GRCh38, 1-based): chr17:16,948,833, T>C on the plus strand (A>G on the coding strand, the complement: TNFRSF13B is on the minus strand). VCF-style: chr17-16948833-T-C. GRCh37 (hg19) VCF-style: chr17-16852147-T-C.
Other names: short protein forms E117G.
Identifiers: ClinVar variation 1379879 (VCV001379879.7), dbSNP rs1159836375, ClinGen allele CA398519937.

ClinVar aggregate classification (germline): Uncertain significance (1 of 4 stars; one submission).

Conditions:
Immunodeficiency, common variable, 2 (CVID2). Also called: ANTIBODY DEFICIENCY DUE TO TACI DEFECT; HYPOGAMMAGLOBULINEMIA DUE TO TACI DEFICIENCY. Identifiers: Orphanet 1572, MedGen C3150354, MONDO:0009413, OMIM 240500.

Allele frequency attached by ClinVar (database versions not stated): gnomAD 0.00001; gnomAD exomes 0.00001 and below 0.00001; TOPMed 0.00001.
gnomAD v4.1: 13 of 1,614,100 alleles (0.00081%); highest among the groups gnomAD compares: Non-Finnish European, 0.0011%; no homozygotes.

Submission:

Labcorp Genetics (formerly Invitae), Labcorp
Classification: Uncertain significance for Immunodeficiency, common variable, 2. Last evaluated: 2022-09-13. Review status: criteria provided, single submitter. Criteria: Invitae Variant Classification Sherloc (09022015). Collection method: clinical testing. Allele origin: germline.
Comment: This sequence change replaces glutamic acid, which is acidic and polar, with glycine, which is neutral and non-polar, at codon 117 of the TNFRSF13B protein (p.Glu117Gly). This variant is present in population databases (no rsID available, gnomAD 0.0009%). This missense change has been observed in individual(s) with immunodeficiency (PMID: 19779048, 22922270). ClinVar contains an entry for this variant (Variation ID: 1379879). Advanced modeling of protein sequence and biophysical properties (such as structural, functional, and spatial information, amino acid conservation, physicochemical variation, residue mobility, and thermodynamic stability) performed at Invitae indicates that this missense variant is not expected to disrupt TNFRSF13B protein function. In summary, the available evidence is currently insufficient to determine the role of this variant in disease. Therefore, it has been classified as a Variant of Uncertain Significance.

Literature cited by the submitters: PubMed 19779048; PubMed 22922270.